The following is an entry in ClinVar:

ClinVar aggregate classification (germline): Uncertain significance (1 of 4 stars; one submission).

Submission:

Mayo Clinic Laboratories, Mayo Clinic
Classification: Uncertain significance. Last evaluated: 2023-04-07. Review status: criteria provided, single submitter. Criteria: ACMG Guidelines, 2015. Collection method: clinical testing. Allele origin: germline. Observed: 1 variant allele.
Comment: PP3, PM1, PM2_supporting

Literature cited by the submitters: PubMed 21768352.

NM_000204.5(CFI):c.754G>C (p.Asp252His)

Gene: CFI (complement factor I; minus strand). Cytogenetic location: 4q25.
Variant type: single nucleotide variant.
Coding change: c.754G>C on transcript NM_000204.5 (MANE Select); coding-DNA position 754, G replaced by C.
Protein change: p.Asp252His; replaces aspartic acid 252 with histidine.
Molecular consequence: missense variant. On other transcripts: non-coding transcript variant (3).
Genome position (GRCh38, 1-based): chr4:109,760,541, C>G on the plus strand (G>C on the coding strand, the complement: CFI is on the minus strand). VCF-style: chr4-109760541-C-G. GRCh37 (hg19) VCF-style: chr4-110681697-C-G.
Other names: p.Asp252His; c.754G>C, p.Asp252His (NM_001318057.2, NM_001331035.2, NM_001375278.1 and 5 more transcripts); c.145G>C, p.Asp49His (NM_001375284.1); short protein forms D252H, D49H.
Identifiers: ClinVar variation 2682867 (VCV002682867.1), dbSNP rs2545435753, ClinGen allele CA357861738.
Genomic context (GRCh38, chr4:109,760,541, plus strand): 5'-AAAAATGAATTTAGAGGATTTAGAGGCTAGATTTATGTCTACCTTTACAACACAGTTCAT[C>G]ACTTTGGTCTCCACAATCATTGATACCATCACAGGCTTTCATCTGAGAAATGTATTTCCC-3'
Protein context (NP_000195.3, residues 242-262): DGINDCGDQS[Asp252His]ELCCKACQGK